The following is an entry in ClinVar:

ClinVar aggregate classification (germline): Conflicting classifications of pathogenicity. Review status: criteria provided, conflicting classifications (1 of 4 stars). 8 submissions from 8 submitters: Uncertain significance (5); Likely benign (1). 2 of the submissions do not count toward it. Last evaluated 2025-12-17.

Conditions:
Epidermolysis bullosa simplex, Ogna type (EBS5A). Also called: Pidermolysis bullosa simplex 5A, Ogna type; EPIDERMOLYSIS BULLOSA SIMPLEX 5A, OGNA TYPE. Identifiers: Orphanet 79401, MedGen C0432317, MONDO:0007555, OMIM 131950.
Autosomal recessive limb-girdle muscular dystrophy type 2Q (LGMDR17). Also called: MUSCULAR DYSTROPHY, LIMB-GIRDLE, AUTOSOMAL RECESSIVE 17. Identifiers: Orphanet 254361, MedGen C3150989, MONDO:0013390, OMIM 613723.
Epidermolysis bullosa simplex 5B, with muscular dystrophy (EBS5B). Also called: Epidermolysis bullosa simplex with muscular dystrophy; EPIDERMOLYSIS BULLOSA SIMPLEX AND LIMB-GIRDLE MUSCULAR DYSTROPHY. Identifiers: Orphanet 257, MedGen C2931072, MONDO:0009181, OMIM 226670.
Epidermolysis bullosa simplex with nail dystrophy (EBS5D). Identifiers: MedGen C4225309, MONDO:0014661, OMIM 616487.
Epidermolysis bullosa simplex 5C, with pyloric atresia (EBS5C). Also called: PLEC-Related Epidermolysis Bullosa with Pyloric Atresia; Epidermolysis bullosa simplex with pyloric atresia; PLEC1-Related Epidermolysis Bullosa with Pyloric Atresia. Identifiers: Orphanet 158684, MedGen C2677349, MONDO:0012807, OMIM 612138.
PLEC-related disorder. Also called: PLEC-related condition; PLEC-related disorders.
Inborn genetic diseases. Identifiers: MedGen C0950123, MeSH D030342.

Allele frequency attached by ClinVar (database versions not stated): gnomAD exomes 0.00024 and 0.00030; gnomAD 0.00027 and 0.00029; TOPMed 0.00031; ExAC 0.00032; ESP Exome Variant Server 0.00047; 1000 Genomes Project 30x 0.00016; 1000 Genomes Project 0.00020.
gnomAD v4.1: 402 of 1,612,892 alleles (0.025%); highest among the groups gnomAD compares: South Asian, 0.058%; 2 homozygotes.

Submissions (8):

PreventionGenetics, part of Exact Sciences
Classification: Likely benign for PLEC-related condition. Last evaluated: 2025-12-17. Review status: criteria provided, single submitter. Criteria: ACMG Guidelines, 2015. Collection method: clinical testing. Allele origin: germline.
Comment: This variant is classified as likely benign based on ACMG/AMP sequence variant interpretation guidelines (Richards et al. 2015 PMID: 25741868, with internal and published modifications).

Labcorp Genetics (formerly Invitae), Labcorp
Classification: Uncertain significance for Autosomal recessive limb-girdle muscular dystrophy type 2Q; Epidermolysis bullosa simplex, Ogna type; Epidermolysis bullosa simplex with nail dystrophy; Epidermolysis bullosa simplex 5C, with pyloric atresia; Epidermolysis bullosa simplex 5B, with muscular dystrophy. Last evaluated: 2025-12-01. Review status: criteria provided, single submitter. Criteria: Invitae Variant Classification Sherloc (09022015). Collection method: clinical testing. Allele origin: germline.
Comment: This sequence change replaces valine, which is neutral and non-polar, with methionine, which is neutral and non-polar, at codon 4330 of the PLEC protein (p.Val4330Met). This variant is present in population databases (rs200668859, gnomAD 0.2%). This variant has not been reported in the literature in individuals affected with PLEC-related conditions. ClinVar contains an entry for this variant (Variation ID: 478589). Invitae Evidence Modeling of protein sequence and biophysical properties (such as structural, functional, and spatial information, amino acid conservation, physicochemical variation, residue mobility, and thermodynamic stability) indicates that this missense variant is not expected to disrupt PLEC protein function with a negative predictive value of 80%. In summary, the available evidence is currently insufficient to determine the role of this variant in disease. Therefore, it has been classified as a Variant of Uncertain Significance.

Ambry Genetics
Classification: Uncertain significance for Inborn genetic diseases. Last evaluated: 2022-11-18. Review status: criteria provided, single submitter. Criteria: Ambry Variant Classification Scheme 2023. Collection method: clinical testing. Allele origin: germline.

Revvity Omics, Revvity
Classification: Uncertain significance. Last evaluated: 2022-09-20. Review status: criteria provided, single submitter. Criteria: ACMG Guidelines, 2015. Collection method: clinical testing. Allele origin: germline.

Mayo Clinic Laboratories, Mayo Clinic
Classification: Uncertain significance. Last evaluated: 2021-07-29. Review status: criteria provided, single submitter. Criteria: ACMG Guidelines, 2015. Collection method: clinical testing. Allele origin: germline.

CeGaT Center for Human Genetics Tuebingen
Classification: Uncertain significance. Last evaluated: 2016-06-01. Review status: criteria provided, single submitter. Criteria: CeGaT Center For Human Genetics Tuebingen Variant Classification Criteria Version 2. Collection method: clinical testing. Allele origin: germline. Affected: yes. Observed: 1 variant allele.

Clinical Genetics DNA and cytogenetics Diagnostics Lab, Erasmus MC, Erasmus Medical Center
Classification: Uncertain significance. Review status: no assertion criteria provided. Collection method: clinical testing. Allele origin: germline. Affected: yes. Study: VKGL Data-share Consensus. Not counted in ClinVar's aggregate classification.

Laboratory of Diagnostic Genome Analysis, Leiden University Medical Center (LUMC)
Classification: Uncertain significance. Review status: no assertion criteria provided. Collection method: clinical testing. Allele origin: germline. Affected: yes. Study: VKGL Data-share Consensus. Not counted in ClinVar's aggregate classification.

NM_201384.3(PLEC):c.12907G>A (p.Val4303Met)

Gene: PLEC (plectin; minus strand). Cytogenetic location: 8q24.3.
Variant type: single nucleotide variant.
Coding change: c.12907G>A on transcript NM_201384.3 (MANE Select); coding-DNA position 12907, G replaced by A.
Protein change: p.Val4303Met; replaces valine 4303 with methionine.
Molecular consequence: missense variant.
Genome position (GRCh38, 1-based): chr8:143,916,914, C>T on the plus strand (G>A on the coding strand, the complement: PLEC is on the minus strand). VCF-style: chr8-143916914-C-T. GRCh37 (hg19) VCF-style: chr8-144991082-C-T.
Other names: p.Val4330Met; c.12988G>A (NM_000445.3); c.12988G>A, p.Val4330Met (NM_000445.5); c.12865G>A, p.Val4289Met (NM_201378.4); c.12841G>A, p.Val4281Met (NM_201379.3); c.13318G>A, p.Val4440Met (NM_201380.4); c.12811G>A, p.Val4271Met (NM_201381.3); c.12907G>A, p.Val4303Met (NM_201382.4); and 1 more; short protein forms V4281M, V4440M, V4271M, V4303M, V4330M, V4289M, V4307M.
Identifiers: ClinVar variation 478589 (VCV000478589.59), dbSNP rs200668859, ClinGen allele CA4923952.